The following is an entry in ClinVar:

NM_013450.4(BAZ2B):c.5660+3A>G

Gene: BAZ2B (bromodomain adjacent to zinc finger domain 2B; minus strand). Cytogenetic location: 2q24.2.
Variant type: single nucleotide variant.
Coding change: c.5660+3A>G on transcript NM_013450.4 (MANE Select); 3 bases into the intron after coding-DNA position 5660, A replaced by G.
Molecular consequence: intron variant. On other transcripts: missense variant (1).
Genome position (GRCh38, 1-based): chr2:159,337,564, T>C on the plus strand (A>G on the coding strand, the complement: BAZ2B is on the minus strand). VCF-style: chr2-159337564-T-C. GRCh37 (hg19) VCF-style: chr2-160194075-T-C.
Other names: c.5501A>G, p.Tyr1834Cys (NM_001329857.2); c.5552+3A>G (NM_001289975.1); c.5585+3A>G (NM_001329858.2); short protein forms Y1834C.
Identifiers: ClinVar variation 3766116 (VCV003766116.1).
Genomic context (GRCh38, chr2:159,337,564, plus strand): 5'-GTAACTGTGCCCACATTATCCAGTTTGATCTGAATGGTGGTACTTAAGGGGCTCTTCAGA[T>C]ACCTTCTTTCAATGTTCCGCTCCAAATCAGCCAGCCTGGTTACAGCTATATCTAGGGGGT-3'

ClinVar aggregate classification (germline): Uncertain significance (1 of 4 stars; one submission).

gnomAD v4.1: 1 of 1,614,146 alleles (0.000062%); highest among the groups gnomAD compares: Non-Finnish European, 0.000085%; no homozygotes.

Submission:

GeneDx
Classification: Uncertain significance. Last evaluated: 2024-09-02. Review status: criteria provided, single submitter. Criteria: GeneDx Variant Classification Process June 2021. Collection method: clinical testing. Allele origin: germline. Affected: yes.
Comment: Not observed at significant frequency in large population cohorts (gnomAD); In silico analysis supports a deleterious effect on splicing; Has not been previously published as pathogenic or benign to our knowledge